The following is an entry in ClinVar:

NM_000264.5(PTCH1):c.3462_3464del (p.Val1155del)

Gene: PTCH1 (patched 1; minus strand). Cytogenetic location: 9q22.32.
Variant type: Deletion.
Coding change: c.3462_3464del on transcript NM_000264.5 (MANE Select); coding-DNA positions 3462 to 3464, 3 bases deleted (TGT; older notation c.3462_3464delTGT).
Protein change: p.Val1155del; deletes valine 1155.
Molecular consequence: inframe deletion. On other transcripts: non-coding transcript variant (1).
Genome position (GRCh38, 1-based): chr9:95,449,926-95,449,928, ACA deleted on the plus strand (TGT on the coding strand, the reverse complement: PTCH1 is on the minus strand). VCF-style (leftmost placement, unchanged base first): chr9-95449925-CACA-C. GRCh37 (hg19) VCF-style: chr9-98212207-CACA-C.
Other names: c.3264_3266del, p.Val1089del (NM_001083602.3); c.3459_3461del, p.Val1154del (NM_001083603.3); c.3009_3011del, p.Val1004del (NM_001083604.3, NM_001083605.3, NM_001083606.3 and 1 more transcripts); c.3306_3308del, p.Val1103del (NM_001354918.2); short protein forms V1089del, V1154del, V1004del, V1103del, V1155del.
Identifiers: ClinVar variation 2014543 (VCV002014543.4), dbSNP rs2538021556, ClinGen allele CA2580081146.

ClinVar aggregate classification (germline): Uncertain significance (1 of 4 stars; one submission).

Conditions:
Gorlin syndrome. Also called: Nevoid Basal Cell Carcinoma Syndrome; Basal cell nevus syndrome. Identifiers: Orphanet 377, MedGen C0004779, MONDO:0007187.

Submission:

Labcorp Genetics (formerly Invitae), Labcorp
Classification: Uncertain significance for Gorlin syndrome. Last evaluated: 2022-07-06. Review status: criteria provided, single submitter. Criteria: Invitae Variant Classification Sherloc (09022015). Collection method: clinical testing. Allele origin: germline.
Comment: In summary, the available evidence is currently insufficient to determine the role of this variant in disease. Therefore, it has been classified as a Variant of Uncertain Significance. Experimental studies and prediction algorithms are not available or were not evaluated, and the functional significance of this variant is currently unknown. This variant has not been reported in the literature in individuals affected with PTCH1-related conditions. This variant is not present in population databases (gnomAD no frequency). This variant, c.3462_3464del, results in the deletion of 1 amino acid(s) of the PTCH1 protein (p.Val1155del), but otherwise preserves the integrity of the reading frame.